The following is an entry in ClinVar:

NM_001194.4(HCN2):c.421G>T (p.Ala141Ser)

Gene: HCN2 (hyperpolarization activated cyclic nucleotide gated potassium and sodium channel 2; plus strand). Cytogenetic location: 19p13.3.
Variant type: single nucleotide variant.
Coding change: c.421G>T on transcript NM_001194.4 (MANE Select); coding-DNA position 421, G replaced by T.
Protein change: p.Ala141Ser; replaces alanine 141 with serine.
Molecular consequence: missense variant.
Genome position (GRCh38, 1-based): chr19:590,366, G>T. VCF-style: chr19-590366-G-T. GRCh37 (hg19) VCF-style: chr19-590366-G-T.
Other names: short protein forms A141S.
Identifiers: ClinVar variation 2343234 (VCV002343234.9), dbSNP rs560359968, ClinGen allele CA9018149.

ClinVar aggregate classification (germline): Likely benign. Review status: criteria provided, multiple submitters, no conflicts (2 of 4 stars). 3 submissions from 3 submitters: Likely benign (3). Last evaluated 2026-01-01.

Conditions:
Inborn genetic diseases. Identifiers: MedGen C0950123, MeSH D030342.

Allele frequency attached by ClinVar (database versions not stated): 1000 Genomes Project 0.00240; 1000 Genomes Project 30x 0.00312; TOPMed 0.00537; gnomAD 0.00559; ExAC 0.05797.
gnomAD v4.1: 8,603 of 1,153,368 alleles (0.75%); highest among the groups gnomAD compares: Non-Finnish European, 0.86%; 50 homozygotes.

Submissions (3):

CeGaT Center for Human Genetics Tuebingen
Classification: Likely benign. Last evaluated: 2026-01-01. Review status: criteria provided, single submitter. Criteria: CeGaT Center For Human Genetics Tuebingen Variant Classification Criteria Version 2. Collection method: clinical testing. Allele origin: germline. Affected: yes. Observed: 3 variant alleles.
Comment: HCN2: PP3, BS2

Blueprint Genetics
Classification: Likely benign. Last evaluated: 2024-11-28. Review status: criteria provided, single submitter. Criteria: ACMG Guidelines, 2015. Collection method: clinical testing. Allele origin: germline.

Ambry Genetics
Classification: Likely benign for Inborn genetic diseases. Last evaluated: 2021-03-25. Review status: criteria provided, single submitter. Criteria: Ambry Variant Classification Scheme 2023. Collection method: clinical testing. Allele origin: germline.